The following is an entry in ClinVar:

ClinVar aggregate classification (germline): Conflicting classifications of pathogenicity. Review status: criteria provided, conflicting classifications (1 of 4 stars). 5 submissions from 5 submitters: Uncertain significance (1); Likely benign (4). Last evaluated 2025-10-13.

Allele frequency attached by ClinVar (database versions not stated): gnomAD 0.00001 and 0.00003; TOPMed 0.00003; gnomAD exomes 0.00005 and 0.00010; 1000 Genomes Project 30x 0.00016; 1000 Genomes Project 0.00020; ExAC 0.00020.
gnomAD v4.1: 76 of 1,595,996 alleles (0.0048%); highest among the groups gnomAD compares: East Asian, 0.052%; no homozygotes.

Submissions (5):

Labcorp Genetics (formerly Invitae), Labcorp
Classification: Likely benign. Last evaluated: 2025-10-13. Review status: criteria provided, single submitter. Criteria: Invitae Variant Classification Sherloc (09022015). Collection method: clinical testing. Allele origin: germline.

Women's Health and Genetics/Laboratory Corporation of America, LabCorp
Classification: Likely benign. Last evaluated: 2024-09-04. Review status: criteria provided, single submitter. Criteria: LabCorp Variant Classification Summary - May 2015. Collection method: clinical testing. Allele origin: germline.

Blueprint Genetics
Classification: Likely benign. Last evaluated: 2023-03-20. Review status: criteria provided, single submitter. Criteria: ACMG Guidelines, 2015. Collection method: clinical testing. Allele origin: germline.

Eurofins Ntd Llc (ga)
Classification: Uncertain significance. Last evaluated: 2016-09-13. Review status: criteria provided, single submitter. Criteria: EGL Classification Definitions 2015. Collection method: clinical testing. Allele origin: germline. Observed: 1 variant allele, 1 heterozygote.

Laboratory for Molecular Medicine, Mass General Brigham Personalized Medicine
Classification: Likely benign. Last evaluated: 2016-01-26. Review status: criteria provided, single submitter. Criteria: LMM Criteria. Collection method: clinical testing. Allele origin: germline. Observed: 1 variant allele.
Comment: p.Asp74Asp in Exon 3 of GPR98: This variant is not expected to have clinical sig nificance because it does not alter an amino acid residue, and it is not located within the splice consensus sequence. This variant has been identified in 0.15% (5/3310) of East Asian chromosomes by the Exome Aggregation Consortium (ExAC; dbSNP rs181146384).

NM_032119.4(ADGRV1):c.222C>T (p.Asp74=)

Gene: ADGRV1 (adhesion G protein-coupled receptor V1; plus strand). Cytogenetic location: 5q14.3.
Variant type: single nucleotide variant.
Coding change: c.222C>T on transcript NM_032119.4 (MANE Select); coding-DNA position 222, C replaced by T.
Protein change: p.Asp74=; no amino-acid change (aspartic acid 74 retained).
Molecular consequence: synonymous variant. On other transcripts: non-coding transcript variant (1).
Genome position (GRCh38, 1-based): chr5:90,617,818, C>T. VCF-style: chr5-90617818-C-T. GRCh37 (hg19) VCF-style: chr5-89913635-C-T.
Identifiers: ClinVar variation 227403 (VCV000227403.19), dbSNP rs181146384, ClinGen allele CA3338418.